The following is an entry in ClinVar:

ClinVar aggregate classification (germline): Pathogenic (1 of 4 stars; one submission).

Submission:

Labcorp Genetics (formerly Invitae), Labcorp
Classification: Pathogenic. Last evaluated: 2023-10-19. Review status: criteria provided, single submitter. Criteria: Invitae Variant Classification Sherloc (09022015). Collection method: clinical testing. Allele origin: germline.
Comment: This sequence change creates a premature translational stop signal (p.Phe662Metfs*34) in the CDH23 gene. It is expected to result in an absent or disrupted protein product. Loss-of-function variants in CDH23 are known to be pathogenic (PMID: 11138009, 21940737). This variant is not present in population databases (gnomAD no frequency). This variant has not been reported in the literature in individuals affected with CDH23-related conditions. For these reasons, this variant has been classified as Pathogenic.

Literature cited by the submitters: PubMed 11138009; PubMed 21940737.

NM_022124.6(CDH23):c.1983_1984insATGGG (p.Phe662fs)

Gene: CDH23 (cadherin related 23; plus strand). Cytogenetic location: 10q22.1.
Variant type: Insertion.
Coding change: c.1983_1984insATGGG on transcript NM_022124.6 (MANE Select); coding-DNA positions 1983 to 1984, ATGGG inserted.
Protein change: p.Phe662fs; shifts the reading frame from phenylalanine 662.
Molecular consequence: frameshift variant.
Genome position: GRCh38 VCF-style: chr10-71682568-T-TGATGG. GRCh37 (hg19) VCF-style: chr10-73442325-T-TGATGG.
Other names: c.1983_1984insATGGG, p.Phe662fs (NM_001171930.2, NM_001171931.2); short protein forms F662fs.
Identifiers: ClinVar variation 2770121 (VCV002770121.3), dbSNP rs2493961296, ClinGen allele CA2697558439.